The following is an entry in ClinVar:

ClinVar aggregate classification (germline): Pathogenic (1 of 4 stars; one submission).

Conditions:
Gorlin syndrome. Also called: Basal cell nevus syndrome; Nevoid Basal Cell Carcinoma Syndrome. Identifiers: Orphanet 377, MedGen C0004779, MONDO:0007187.

Submission:

Labcorp Genetics (formerly Invitae), Labcorp
Classification: Pathogenic for Gorlin syndrome. Last evaluated: 2018-07-11. Review status: criteria provided, single submitter. Criteria: Invitae Variant Classification Sherloc (09022015). Collection method: clinical testing. Allele origin: germline.
Comment: For these reasons, this variant has been classified as Pathogenic. Loss-of-function variants in PTCH1 are known to be pathogenic (PMID: 16301862, 16419085). This variant has not been reported in the literature in individuals with PTCH1-related disease. This variant is not present in population databases (ExAC no frequency). This sequence change creates a premature translational stop signal (p.Arg543Alafs*84) in the PTCH1 gene. It is expected to result in an absent or disrupted protein product.

Literature cited by the submitters: PubMed 16301862; PubMed 16419085.

NM_000264.5(PTCH1):c.1625dup (p.Arg543fs)

Gene: PTCH1 (patched 1; minus strand). Cytogenetic location: 9q22.32.
Variant type: Duplication.
Coding change: c.1625dup on transcript NM_000264.5 (MANE Select); coding-DNA position 1625, one base duplicated (A; older notation c.1625dupA).
Protein change: p.Arg543fs; shifts the reading frame from arginine 543.
Molecular consequence: frameshift variant. On other transcripts: non-coding transcript variant (1).
Genome position (GRCh38, 1-based): chr9:95,476,137, T duplicated on the plus strand (A on the coding strand, the reverse complement: PTCH1 is on the minus strand); the first of 2 consecutive T bases (chr9:95,476,137-95,476,138); duplicating either gives the same sequence. VCF-style (leftmost placement, unchanged base first): chr9-95476136-C-CT. GRCh37 (hg19) VCF-style: chr9-98238418-C-CT.
Other names: c.1427dup, p.Arg477fs (NM_001083602.3); c.1622dup, p.Arg542fs (NM_001083603.3); c.1172dup, p.Arg392fs (NM_001083604.3, NM_001083605.3, NM_001083606.3 and 1 more transcripts); c.1469dup, p.Arg491fs (NM_001354918.2); c.1625dupA (NM_000264.3); short protein forms R392fs, R477fs, R491fs, R542fs, R543fs.
Identifiers: ClinVar variation 643017 (VCV000643017.7), dbSNP rs1588596702, ClinGen allele CA915947056.